The following is an entry in ClinVar:

NM_001160148.2(DDHD1):c.2672A>G (p.Asp891Gly)

Gene: DDHD1 (DDHD domain containing 1; minus strand). Cytogenetic location: 14q22.1.
Variant type: single nucleotide variant.
Coding change: c.2672A>G on transcript NM_001160148.2 (MANE Select); coding-DNA position 2672, A replaced by G.
Protein change: p.Asp891Gly; replaces aspartic acid 891 with glycine.
Molecular consequence: missense variant.
Genome position (GRCh38, 1-based): chr14:53,046,799, T>C on the plus strand (A>G on the coding strand, the complement: DDHD1 is on the minus strand). VCF-style: chr14-53046799-T-C. GRCh37 (hg19) VCF-style: chr14-53513517-T-C.
Other names: p.Asp870Gly; c.2609A>G, p.Asp870Gly (NM_001160147.2); c.2588A>G, p.Asp863Gly (NM_030637.3); short protein forms D870G, D863G, D891G.
Identifiers: ClinVar variation 4541830 (VCV004541830.1).

ClinVar aggregate classification (germline): Uncertain significance (1 of 4 stars; one submission).

gnomAD v4.1: 3 of 1,609,404 alleles (0.00019%); highest among the groups gnomAD compares: Non-Finnish European, 0.000085%; no homozygotes.

Submission:

Mayo Clinic Laboratories, Mayo Clinic
Classification: Uncertain significance. Last evaluated: 2025-03-07. Review status: criteria provided, single submitter. Criteria: ACMG Guidelines, 2015. Collection method: clinical testing. Allele origin: germline. Observed: 1 variant allele.
Comment: BP4_moderate